The following is an entry in ClinVar:

NM_001370259.2(MEN1):c.302T>C (p.Val101Ala)

Gene: MEN1 (menin 1; minus strand). Cytogenetic location: 11q13.1.
Variant type: single nucleotide variant.
Coding change: c.302T>C on transcript NM_001370259.2 (MANE Select); coding-DNA position 302, T replaced by C.
Protein change: p.Val101Ala; replaces valine 101 with alanine.
Molecular consequence: missense variant.
Genome position (GRCh38, 1-based): chr11:64,809,808, A>G on the plus strand (T>C on the coding strand, the complement: MEN1 is on the minus strand). VCF-style: chr11-64809808-A-G. GRCh37 (hg19) VCF-style: chr11-64577280-A-G.
Other names: c.302T>C, p.Val101Ala (NM_000244.4, NM_001370251.2, NM_001370260.2 and 9 more transcripts); short protein forms V101A.
Identifiers: ClinVar variation 1058062 (VCV001058062.11), dbSNP rs771936005, ClinGen allele CA061066.
Genomic context (GRCh38, chr11:64,809,808, plus strand): 5'-ACCTTCTTCACCAGCTCACGGCTGGAGACACCCCCTTCTCGAGGATAGAGGGACAGGTCG[A>G]CGGCGCCTCGGATCTGGGCGGTGAAGCGGGCATAGAGGGCGGCGATGATAGACAGGTCGG-3'
Protein context (NP_001357188.2, residues 91-111): ARFTAQIRGA[Val101Ala]DLSLYPREGG

ClinVar aggregate classification (germline): Uncertain significance. Review status: criteria provided, multiple submitters, no conflicts (2 of 4 stars). 2 submissions from 2 submitters: Uncertain significance (2). Last evaluated 2025-03-17.

Conditions:
Multiple endocrine neoplasia, type 1 (MEN1). Also called: MEN I; WERMER SYNDROME; Endocrine adenomatosis multiple; MEN 1; MEA I. Identifiers: Orphanet 652, MedGen C0025267, MeSH D018761, MONDO:0007540, OMIM 131100.

Allele frequency attached by ClinVar (database versions not stated): gnomAD exomes below 0.00001; ExAC 0.00001.
gnomAD v4.1: 1 of 1,613,274 alleles (0.000062%); highest among the groups gnomAD compares: Non-Finnish European, 0.000085%; no homozygotes.

Submissions (2):

Dasa
Classification: Uncertain significance for Multiple endocrine neoplasia, type 1. Last evaluated: 2025-03-17. Review status: criteria provided, single submitter. Criteria: DASA Assertion Criteria. Collection method: clinical testing. Allele origin: germline.
Comment: NM_001370259.2(MEN1):c.302T>C (p.Val101Ala) is a missense variant that results in the substitution of valine with alanine. This variant is rare in population databases. Computational prediction algorithms are consistent with a deleterious effect. The currently available literature and clinical evidence are not sufficient to establish a definitive association between this variant and the reported condition. Therefore, this variant is classified as a variant of uncertain significance.

Labcorp Genetics (formerly Invitae), Labcorp
Classification: Uncertain significance for Multiple endocrine neoplasia, type 1. Last evaluated: 2024-05-06. Review status: criteria provided, single submitter. Criteria: Invitae Variant Classification Sherloc (09022015). Collection method: clinical testing. Allele origin: germline.
Comment: This sequence change replaces valine, which is neutral and non-polar, with alanine, which is neutral and non-polar, at codon 101 of the MEN1 protein (p.Val101Ala). This variant is present in population databases (rs771936005, gnomAD 0.0009%). This variant has not been reported in the literature in individuals affected with MEN1-related conditions. ClinVar contains an entry for this variant (Variation ID: 1058062). Advanced modeling of protein sequence and biophysical properties (such as structural, functional, and spatial information, amino acid conservation, physicochemical variation, residue mobility, and thermodynamic stability) performed at Invitae indicates that this missense variant is expected to disrupt MEN1 protein function with a positive predictive value of 95%. In summary, the available evidence is currently insufficient to determine the role of this variant in disease. Therefore, it has been classified as a Variant of Uncertain Significance.